The following is an entry in ClinVar:

NM_032043.3(BRIP1):c.918+15T>A

Gene: BRIP1 (BRCA1 interacting DNA helicase 1; minus strand). Cytogenetic location: 17q23.2.
Variant type: single nucleotide variant.
Coding change: c.918+15T>A on transcript NM_032043.3 (MANE Select); 15 bases into the intron after coding-DNA position 918, T replaced by A.
Molecular consequence: intron variant.
Genome position (GRCh38, 1-based): chr17:61,808,452, A>T on the plus strand (T>A on the coding strand, the complement: BRIP1 is on the minus strand). VCF-style: chr17-61808452-A-T. GRCh37 (hg19) VCF-style: chr17-59885813-A-T.
Identifiers: ClinVar variation 136583 (VCV000136583.35), dbSNP rs117820198, ClinGen allele CA289750.

ClinVar aggregate classification (germline): Benign/Likely benign. Review status: criteria provided, multiple submitters, no conflicts (2 of 4 stars). 15 submissions from 14 submitters: Benign (8); Likely benign (1). 6 of the submissions do not count toward it. Last evaluated 2026-02-04.

Conditions:
Breast and/or ovarian cancer. Identifiers: MedGen CN221562.
Hereditary cancer-predisposing syndrome. Also called: Tumor predisposition; Hereditary neoplastic syndrome; Neoplastic Syndromes, Hereditary; Hereditary Cancer Syndrome. Identifiers: Orphanet 140162, MedGen C0027672, MeSH D009386, MONDO:0015356.
Familial cancer of breast. Also called: BREAST CANCER, FAMILIAL; Hereditary breast cancer; hereditary breast carcinoma. Identifiers: Orphanet 227535, MedGen C0346153, MONDO:0016419, OMIM 114480. Disease mechanism: loss of function.
Fanconi anemia complementation group J. Also called: BRIP1-Related Fanconi Anemia. Identifiers: Orphanet 84, MedGen C1836860, MONDO:0012187, OMIM 609054.
Ovarian cancer. Also called: OVARIAN CANCER, SOMATIC. Identifiers: Orphanet 213500, MedGen C1140680, MONDO:0008170, OMIM 167000.
Hereditary breast ovarian cancer syndrome. Also called: Hereditary breast and ovarian cancer syndrome; Hereditary breast and ovarian cancer; Hereditary breast and ovarian cancer syndrome (HBOC); Breast and ovarian cancer; BRCA1- and BRCA2-Associated Hereditary Breast and Ovarian Cancer; Hereditary breast and/or ovarian cancer syndrome. Identifiers: Orphanet 145, MedGen C0677776, MeSH D061325, MONDO:0003582. Disease mechanism: loss of function.
Malignant tumor of breast. Also called: Malignant breast neoplasm; Cancer breast. Identifiers: MedGen C0006142, MONDO:0007254. Disease mechanism: loss of function.

Allele frequency attached by ClinVar (database versions not stated): gnomAD 0.00078 and 0.00121; gnomAD exomes 0.00083 and 0.00306; TOPMed 0.00144; ExAC 0.00290; 1000 Genomes Project 0.00859; 1000 Genomes Project 30x 0.00874.
gnomAD v4.1: 1,412 of 1,602,738 alleles (0.088%); highest among the groups gnomAD compares: East Asian, 2.8%; 22 homozygotes.

Submissions (15):

Labcorp Genetics (formerly Invitae), Labcorp
Classification: Benign for Familial cancer of breast; Fanconi anemia complementation group J. Last evaluated: 2026-02-04. Review status: criteria provided, single submitter. Criteria: Invitae Variant Classification Sherloc (09022015). Collection method: clinical testing. Allele origin: germline.

Center for Genomic Medicine, Rigshospitalet, Copenhagen University Hospital
Classification: Benign. Last evaluated: 2025-03-04. Review status: criteria provided, single submitter. Criteria: ACMG Guidelines, 2015. Collection method: clinical testing. Allele origin: germline.

KCCC/NGS Laboratory, Kuwait Cancer Control Center
Classification: Benign for Familial cancer of breast. Last evaluated: 2023-07-07. Review status: criteria provided, single submitter. Criteria: ACMG Guidelines, 2015. Collection method: clinical testing. Allele origin: germline. Affected: yes.

National Health Laboratory Service, Universitas Academic Hospital and University of the Free State
Classification: Benign for Hereditary breast ovarian cancer syndrome. Last evaluated: 2022-04-19. Review status: criteria provided, single submitter. Criteria: ACMG Guidelines, 2015. Collection method: clinical testing. Allele origin: germline. Affected: yes. Observed: 1 variant allele.

ARUP Laboratories, Molecular Genetics and Genomics, ARUP Laboratories
Classification: Benign. Last evaluated: 2021-09-03. Review status: criteria provided, single submitter. Criteria: ARUP Molecular Germline Variant Investigation Process 2021. Collection method: clinical testing. Allele origin: germline.

CHEO Genetics Diagnostic Laboratory, Children's Hospital of Eastern Ontario
Classification: Benign for Breast and/or ovarian cancer. Last evaluated: 2021-07-05. Review status: criteria provided, single submitter. Criteria: ACMG Guidelines, 2015. Collection method: clinical testing. Allele origin: germline.

Illumina Laboratory Services, Illumina
Classification: Likely benign for Fanconi anemia complementation group J. Last evaluated: 2017-04-27. Review status: criteria provided, single submitter. Criteria: ICSL Variant Classification Criteria 13 December 2019. Collection method: clinical testing. Allele origin: germline.
Comment: This variant was observed as part of a predisposition screen in an ostensibly healthy population. A literature search was performed for the gene, cDNA change, and amino acid change (where applicable). No publications were found based on this search. Allele frequency data from public databases allowed determination this variant is unlikely to cause disease. Therefore, this variant is classified as likely benign.

Color Diagnostics, LLC DBA Color Health
Classification: Benign for Hereditary cancer-predisposing syndrome. Last evaluated: 2015-04-08. Review status: criteria provided, single submitter. Criteria: ACMG Guidelines, 2015. Collection method: clinical testing. Allele origin: germline.

GeneDx
Classification: Benign. Last evaluated: 2014-02-05. Review status: criteria provided, single submitter. Criteria: GeneDx Variant Classification (06012015). Collection method: clinical testing. Allele origin: germline. Affected: yes.
Comment: This variant is considered likely benign or benign based on one or more of the following criteria: it is a conservative change, it occurs at a poorly conserved position in the protein, it is predicted to be benign by multiple in silico algorithms, and/or has population frequency not consistent with disease.

Counsyl
Classification: Benign for Fanconi anemia complementation group J. Last evaluated: 2016-07-05. Review status: no assertion criteria provided. Collection method: clinical testing. Allele origin: unknown. Not counted in ClinVar's aggregate classification.

Counsyl
Classification: Benign for Ovarian cancer. Last evaluated: 2016-07-05. Review status: no assertion criteria provided. Collection method: clinical testing. Allele origin: unknown. Not counted in ClinVar's aggregate classification.

University of Washington Department of Laboratory Medicine, University of Washington
Classification: Likely benign for Hereditary cancer-predisposing syndrome. Last evaluated: 2015-12-01. Review status: no assertion criteria provided. Collection method: clinical testing. Allele origin: germline. Affected: yes. Not counted in ClinVar's aggregate classification.

Department of Pathology and Laboratory Medicine, Sinai Health System
Classification: Benign for Malignant tumor of breast. Review status: no assertion criteria provided. Collection method: clinical testing. Allele origin: unknown. Affected: yes. Observed: 2 variant alleles. Study: The Canadian Open Genetics Repository (COGR). Not counted in ClinVar's aggregate classification.
Comment: The BRIP1 r.(spl?) variant was identified in 9 of 714 proband chromosomes (frequency: 0.01) from individuals or families with breast cancer and was not identified in 1728 control chromosomes from healthy individuals (Cao 2009). The variant was also identified in dbSBP (ID: rs117820198) as other, ClinVar and Clinvitae (benign by Counsyl, Color Genomics, GeneDx; and likely benign by Illumina and University of Washington), Zhejiang Colon Cancer Database (1x as unknown) databases. The variant was not identified in Cosmic or MutDB databases. The variant was identified in control databases in 777 of 276108 chromosomes (11 homozygous individuals) at a frequency of 0.003 increasing the likelihood that this may be a low frequency benign variant in certain populations of origin (Genome Aggregation Consortium Feb 27, 2017). The variant was identified in the following populations at a frequency greater than 1%: East Asian in 751 of 18858 chromosomes (freq: 0.04). The variant occurs outside of the splicing consensus sequence and in silico or computational prediction software programs (SpliceSiteFinder, MaxEntScan, NNSPLICE, GeneSplicer, HumanSpliceFinder) do not predict a difference in splicing. In summary, based on the above information this variant meets our laboratory's criteria to be classified as benign.

Genome Diagnostics Laboratory, Amsterdam University Medical Center
Classification: Benign. Review status: no assertion criteria provided. Collection method: clinical testing. Allele origin: germline. Affected: yes. Study: VKGL Data-share Consensus. Not counted in ClinVar's aggregate classification.

Genome Diagnostics Laboratory, University Medical Center Utrecht
Classification: Likely benign. Review status: no assertion criteria provided. Collection method: clinical testing. Allele origin: germline. Affected: yes. Study: VKGL Data-share Consensus. Not counted in ClinVar's aggregate classification.

Literature cited by the submitters: PubMed 18483852 (cited by Counsyl); PubMed 21279724 (cited by Counsyl).